The following is an entry in ClinVar:

NM_006031.6(PCNT):c.9693T>C (p.Pro3231=)

Gene: PCNT (pericentrin; plus strand). Cytogenetic location: 21q22.3.
Variant type: single nucleotide variant.
Coding change: c.9693T>C on transcript NM_006031.6 (MANE Select); coding-DNA position 9693, T replaced by C.
Protein change: p.Pro3231=; no amino-acid change (proline 3231 retained).
Molecular consequence: synonymous variant.
Genome position (GRCh38, 1-based): chr21:46,442,566, T>C. VCF-style: chr21-46442566-T-C. GRCh37 (hg19) VCF-style: chr21-47862479-T-C.
Other names: c.9102T>C, p.Pro3034= (NM_001315529.2).
Identifiers: ClinVar variation 3061593 (VCV003061593.2), dbSNP rs2519140448, ClinGen allele CA512755137.

ClinVar aggregate classification (germline): Likely benign (0 of 4 stars; one submission).

Conditions:
PCNT-related disorder. Also called: PCNT-related condition.

Allele frequency attached by ClinVar (database versions not stated): gnomAD exomes below 0.00001.
gnomAD v4.1: 1 of 1,605,900 alleles (0.000062%); highest among the groups gnomAD compares: Middle Eastern, 0.017%; no homozygotes.

Submission:

PreventionGenetics, part of Exact Sciences
Classification: Likely benign for PCNT-related condition. Last evaluated: 2021-10-29. Review status: no assertion criteria provided. Collection method: clinical testing. Allele origin: germline.
Comment: This variant is classified as likely benign based on ACMG/AMP sequence variant interpretation guidelines (Richards et al. 2015 PMID: 25741868, with internal and published modifications).